The following is an entry in ClinVar:

ClinVar aggregate classification (germline): Conflicting classifications of pathogenicity. Review status: criteria provided, conflicting classifications (1 of 4 stars). 4 submissions from 4 submitters: Uncertain significance (2); Likely benign (2). Last evaluated 2026-09-09.

Conditions:
PNPLA6-related disorder. Also called: PNPLA6-related disorders; PNPLA6-related condition.
Hereditary spastic paraplegia 39 (SPG39). Also called: SPASTIC PARAPLEGIA 39, AUTOSOMAL RECESSIVE; Spastic Paraplegia Type 39 (SPG39). Identifiers: Orphanet 139480, MedGen C2677586, MONDO:0012787, OMIM 612020.

Allele frequency attached by ClinVar (database versions not stated): gnomAD exomes 0.00003; ExAC 0.00004; gnomAD 0.00004 and 0.00005; TOPMed 0.00006; ESP Exome Variant Server 0.00008.
gnomAD v4.1: 50 of 1,611,310 alleles (0.0031%); highest among the groups gnomAD compares: Middle Eastern, 0.15%; no homozygotes.

Submissions (4):

PreventionGenetics, part of Exact Sciences
Classification: Likely benign for PNPLA6-related condition. Last evaluated: 2026-09-09. Review status: criteria provided, single submitter. Criteria: ACMG Guidelines, 2015. Collection method: clinical testing. Allele origin: germline.
Comment: This variant is classified as likely benign based on ACMG/AMP sequence variant interpretation guidelines (Richards et al. 2015 PMID: 25741868, with internal and published modifications).

Labcorp Genetics (formerly Invitae), Labcorp
Classification: Likely benign for Hereditary spastic paraplegia 39. Last evaluated: 2025-04-02. Review status: criteria provided, single submitter. Criteria: Invitae Variant Classification Sherloc (09022015). Collection method: clinical testing. Allele origin: germline.

Blueprint Genetics
Classification: Uncertain significance. Last evaluated: 2024-08-06. Review status: criteria provided, single submitter. Criteria: ACMG Guidelines, 2015. Collection method: clinical testing. Allele origin: germline.

Illumina Laboratory Services, Illumina
Classification: Uncertain significance for Hereditary spastic paraplegia 39. Last evaluated: 2018-01-19. Review status: criteria provided, single submitter. Criteria: ICSL Variant Classification Criteria 13 December 2019. Collection method: clinical testing. Allele origin: germline.

NM_001166114.2(PNPLA6):c.864G>A (p.Pro288=)

Gene: PNPLA6 (patatin like domain 6, lysophospholipase; plus strand). Cytogenetic location: 19p13.2.
Variant type: single nucleotide variant.
Coding change: c.864G>A on transcript NM_001166114.2 (MANE Select); coding-DNA position 864, G replaced by A.
Protein change: p.Pro288=; no amino-acid change (proline 288 retained).
Molecular consequence: synonymous variant.
Genome position (GRCh38, 1-based): chr19:7,540,991, G>A. VCF-style: chr19-7540991-G-A. GRCh37 (hg19) VCF-style: chr19-7605877-G-A.
Other names: c.891G>A, p.Pro297= (NM_001166111.2); c.747G>A, p.Pro249= (NM_001166112.2, NM_001166113.1, NM_006702.5); c.891G>A (NM_001166111.1).
Identifiers: ClinVar variation 894622 (VCV000894622.10), dbSNP rs369082833, ClinGen allele CA9139597.